The following is an entry in ClinVar:

ClinVar aggregate classification (germline): Likely benign. Review status: criteria provided, multiple submitters, no conflicts (2 of 4 stars). 4 submissions from 4 submitters: Likely benign (4). Last evaluated 2025-06-03.

Conditions:
Donnai-Barrow syndrome. Also called: DBS/FOAR SYNDROME; FACIOOCULOACOUSTICORENAL SYNDROME. Identifiers: Orphanet 2143, MedGen C1857277, MONDO:0009104, OMIM 222448.

Allele frequency attached by ClinVar (database versions not stated): gnomAD 0.00004 and 0.00005; gnomAD exomes 0.00007; ESP Exome Variant Server 0.00015; 1000 Genomes Project 0.00020; 1000 Genomes Project 30x 0.00047.
gnomAD v4.1: 101 of 1,614,096 alleles (0.0063%); highest among the groups gnomAD compares: African/African-American, 0.012%; no homozygotes.

Submissions (4):

Labcorp Genetics (formerly Invitae), Labcorp
Classification: Likely benign. Last evaluated: 2025-06-03. Review status: criteria provided, single submitter. Criteria: Invitae Variant Classification Sherloc (09022015). Collection method: clinical testing. Allele origin: germline.

CeGaT Center for Human Genetics Tuebingen
Classification: Likely benign. Last evaluated: 2022-08-01. Review status: criteria provided, single submitter. Criteria: CeGaT Center For Human Genetics Tuebingen Variant Classification Criteria Version 2. Collection method: clinical testing. Allele origin: germline. Affected: yes. Observed: 1 variant allele.
Comment: LRP2: BP4, BP7

Fulgent Genetics
Classification: Likely benign for Donnai-Barrow syndrome. Last evaluated: 2022-05-12. Review status: criteria provided, single submitter. Criteria: ACMG Guidelines, 2015. Collection method: clinical testing. Allele origin: unknown.

Blueprint Genetics
Classification: Likely benign. Last evaluated: 2020-09-23. Review status: criteria provided, single submitter. Criteria: ACMG Guidelines, 2015. Collection method: clinical testing. Allele origin: germline.

NM_004525.3(LRP2):c.13305C>T (p.Val4435=)

Gene: LRP2 (LDL receptor related protein 2; minus strand). Cytogenetic location: 2q31.1.
Variant type: single nucleotide variant.
Coding change: c.13305C>T on transcript NM_004525.3 (MANE Select); coding-DNA position 13305, C replaced by T.
Protein change: p.Val4435=; no amino-acid change (valine 4435 retained).
Molecular consequence: synonymous variant.
Genome position (GRCh38, 1-based): chr2:169,139,334, G>A on the plus strand (C>T on the coding strand, the complement: LRP2 is on the minus strand). VCF-style: chr2-169139334-G-A. GRCh37 (hg19) VCF-style: chr2-169995844-G-A.
Identifiers: ClinVar variation 1566139 (VCV001566139.33), dbSNP rs375801132, ClinGen allele CA1952573.
Genomic context (GRCh38, chr2:169,139,334, plus strand): 5'-CAAAAGGGAGCCGGTCCTTCTATAGTGGAAGAATCCTGCAATTGCCAGAGCTCCAATTAC[G>A]ACGATCAAGAGGATTGTCAACAGCACAGCTACTGCGGCTATAGAAGAAGATAGCAGAGAG-3'
Protein context (NP_004516.2, residues 4425-4445): VAVLLTILLI[Val4435=]VIGALAIAGF